The following is an entry in ClinVar:

ClinVar aggregate classification (germline): Likely benign. Review status: criteria provided, multiple submitters, no conflicts (2 of 4 stars). 2 submissions from 2 submitters: Likely benign (2). Last evaluated 2024-02-01.

Allele frequency attached by ClinVar (database versions not stated): gnomAD exomes 0.00001; ExAC 0.00002; gnomAD 0.00002 and 0.00003; TOPMed 0.00003; ESP Exome Variant Server 0.00008.
gnomAD v4.1: 16 of 1,613,546 alleles (0.00099%); highest among the groups gnomAD compares: African/African-American, 0.0027%; no homozygotes.

Submissions (2):

Labcorp Genetics (formerly Invitae), Labcorp
Classification: Likely benign. Last evaluated: 2024-02-01. Review status: criteria provided, single submitter. Criteria: Invitae Variant Classification Sherloc (09022015). Collection method: clinical testing. Allele origin: germline.

GeneDx
Classification: Likely benign. Last evaluated: 2016-08-30. Review status: criteria provided, single submitter. Criteria: GeneDx Variant Classification (06012015). Collection method: clinical testing. Allele origin: germline. Affected: yes.
Comment: This variant is considered likely benign or benign based on one or more of the following criteria: it is a conservative change, it occurs at a poorly conserved position in the protein, it is predicted to be benign by multiple in silico algorithms, and/or has population frequency not consistent with disease.

NM_201525.4(ADGRG1):c.621-20C>T

Gene: ADGRG1 (adhesion G protein-coupled receptor G1; plus strand). Cytogenetic location: 16q21.
Variant type: single nucleotide variant.
Coding change: c.621-20C>T on transcript NM_201525.4 (MANE Select); 20 bases into the intron before coding-DNA position 621, C replaced by T.
Molecular consequence: intron variant.
Genome position (GRCh38, 1-based): chr16:57,653,966, C>T. VCF-style: chr16-57653966-C-T. GRCh37 (hg19) VCF-style: chr16-57687878-C-T.
Other names: c.621-20C>T (NM_001370440.1, NM_001370428.1, NM_001370436.1 and 16 more transcripts); c.111-20C>T (NM_001290142.2); c.96-20C>T (NM_001370451.1, NM_001290143.2, NM_001370453.1 and 2 more transcripts); c.465-20C>T (NM_001370442.1); c.636-20C>T (NM_001370433.1, NM_001145773.3).
Identifiers: ClinVar variation 388937 (VCV000388937.8), dbSNP rs373304800, ClinGen allele CA8078457.
Genomic context (GRCh38, chr16:57,653,966, plus strand): 5'-GTCTCTCGTCCTCCTGCCTCAGTCTCCCTGGTGGCCCGGCCCCCTCCCCACCATCACCAC[C>T]GCTTTCTCCTCCCTGCCAGGCAGTTGCAGAGCCTGGAGTCGAAACTGACCTCTGTGAGAT-3'